The following is an entry in ClinVar:

ClinVar aggregate classification (germline): Uncertain significance (1 of 4 stars; one submission).

Allele frequency attached by ClinVar (database versions not stated): TOPMed below 0.00001; gnomAD 0.00001; ExAC 0.00002; gnomAD exomes 0.00003.
gnomAD v4.1: 45 of 1,613,510 alleles (0.0028%); highest among the groups gnomAD compares: Non-Finnish European, 0.0037%; no homozygotes.

Submission:

Labcorp Genetics (formerly Invitae), Labcorp
Classification: Uncertain significance. Last evaluated: 2025-07-04. Review status: criteria provided, single submitter. Criteria: Invitae Variant Classification Sherloc (09022015). Collection method: clinical testing. Allele origin: germline.
Comment: This sequence change replaces alanine, which is neutral and non-polar, with threonine, which is neutral and polar, at codon 134 of the POLR1A protein (p.Ala134Thr). This variant is present in population databases (rs201717848, gnomAD 0.003%). This variant has not been reported in the literature in individuals affected with POLR1A-related conditions. ClinVar contains an entry for this variant (Variation ID: 1918766). Invitae Evidence Modeling of protein sequence and biophysical properties (such as structural, functional, and spatial information, amino acid conservation, physicochemical variation, residue mobility, and thermodynamic stability) indicates that this missense variant is not expected to disrupt POLR1A protein function with a negative predictive value of 80%. In summary, the available evidence is currently insufficient to determine the role of this variant in disease. Therefore, it has been classified as a Variant of Uncertain Significance.

NM_015425.6(POLR1A):c.400G>A (p.Ala134Thr)

Gene: POLR1A (RNA polymerase I subunit A; minus strand). Cytogenetic location: 2p11.2.
Variant type: single nucleotide variant.
Coding change: c.400G>A on transcript NM_015425.6 (MANE Select); coding-DNA position 400, G replaced by A.
Protein change: p.Ala134Thr; replaces alanine 134 with threonine.
Molecular consequence: missense variant.
Genome position (GRCh38, 1-based): chr2:86,098,643, C>T on the plus strand (G>A on the coding strand, the complement: POLR1A is on the minus strand). VCF-style: chr2-86098643-C-T. GRCh37 (hg19) VCF-style: chr2-86325766-C-T.
Other names: short protein forms A134T.
Identifiers: ClinVar variation 1918766 (VCV001918766.5), dbSNP rs201717848, ClinGen allele CA1746677.